The following is an entry in ClinVar:

NM_013245.3(VPS4A):c.1070A>T (p.Lys357Met)

Gene: VPS4A (vacuolar protein sorting 4 homolog A; plus strand). Cytogenetic location: 16q22.1.
Variant type: single nucleotide variant.
Coding change: c.1070A>T on transcript NM_013245.3 (MANE Select); coding-DNA position 1070, A replaced by T.
Protein change: p.Lys357Met; replaces lysine 357 with methionine.
Molecular consequence: missense variant.
Genome position (GRCh38, 1-based): chr16:69,321,269, A>T. VCF-style: chr16-69321269-A-T. GRCh37 (hg19) VCF-style: chr16-69355172-A-T.
Other names: short protein forms K357M.
Identifiers: ClinVar variation 2506797 (VCV002506797.2), dbSNP rs896152486, ClinGen allele CA396473642.

ClinVar aggregate classification (germline): Uncertain significance (1 of 4 stars; one submission).

Submission:

GeneDx
Classification: Uncertain significance. Last evaluated: 2025-08-05. Review status: criteria provided, single submitter. Criteria: GeneDx Variant Classification Process June 2021. Collection method: clinical testing. Allele origin: germline. Affected: yes.
Comment: Not observed at significant frequency in large population cohorts (gnomAD); In silico analysis supports that this missense variant has a deleterious effect on protein structure/function; Has not been previously published as pathogenic or benign to our knowledge